The following is an entry in ClinVar:

ClinVar aggregate classification (germline): Uncertain significance. Review status: criteria provided, multiple submitters, no conflicts (2 of 4 stars). 3 submissions from 3 submitters: Uncertain significance (3). Last evaluated 2024-06-11.

Conditions:
Aortic aneurysm, familial thoracic 4 (AAT4). Also called: AORTIC ANEURYSM/AORTIC DISSECTION AND PATENT DUCTUS ARTERIOSUS. Identifiers: MedGen C1851504, MONDO:0007568, OMIM 132900.
Familial thoracic aortic aneurysm and aortic dissection (TAAD). Also called: Thoracic aortic aneurysms and dissections. Identifiers: Orphanet 91387, MedGen C4707243, MONDO:0019625.

Allele frequency attached by ClinVar (database versions not stated): ExAC 0.00001; TOPMed 0.00001; gnomAD exomes 0.00002.

Submissions (3):

GeneDx
Classification: Uncertain significance. Last evaluated: 2024-06-11. Review status: criteria provided, single submitter. Criteria: GeneDx Variant Classification Process June 2021. Collection method: clinical testing. Allele origin: germline. Affected: yes.
Comment: Not observed at significant frequency in large population cohorts (gnomAD); In silico analysis supports that this missense variant has a deleterious effect on protein structure/function; Has not been previously published as pathogenic or benign to our knowledge

Labcorp Genetics (formerly Invitae), Labcorp
Classification: Uncertain significance for Aortic aneurysm, familial thoracic 4. Last evaluated: 2024-01-05. Review status: criteria provided, single submitter. Criteria: Invitae Variant Classification Sherloc (09022015). Collection method: clinical testing. Allele origin: germline.
Comment: This sequence change replaces threonine, which is neutral and polar, with isoleucine, which is neutral and non-polar, at codon 400 of the MYH11 protein (p.Thr400Ile). This variant is present in population databases (rs750691973, gnomAD 0.02%). This variant has not been reported in the literature in individuals affected with MYH11-related conditions. ClinVar contains an entry for this variant (Variation ID: 927142). Advanced modeling of protein sequence and biophysical properties (such as structural, functional, and spatial information, amino acid conservation, physicochemical variation, residue mobility, and thermodynamic stability) performed at Invitae indicates that this missense variant is not expected to disrupt MYH11 protein function with a negative predictive value of 95%. In summary, the available evidence is currently insufficient to determine the role of this variant in disease. Therefore, it has been classified as a Variant of Uncertain Significance.

Color Diagnostics, LLC DBA Color Health
Classification: Uncertain significance for Familial thoracic aortic aneurysm and aortic dissection. Last evaluated: 2023-12-05. Review status: criteria provided, single submitter. Criteria: ACMG Guidelines, 2015. Collection method: clinical testing. Allele origin: germline.
Comment: This missense variant replaces threonine with isoleucine at codon 400 of the MYH11 protein. Computational prediction tools and conservation analyses are inconclusive regarding the impact of this variant on the protein function. Computational splicing tools suggest that this variant may not impact RNA splicing. To our knowledge, functional assays have not been performed for this variant nor has this variant been reported in individuals affected with cardiovascular disorders in the literature. This variant has been identified in 5/251492 chromosomes in the general population by the Genome Aggregation Database (gnomAD). Available evidence is insufficient to determine the role of this variant in disease conclusively. Therefore, this variant is classified as a Variant of Uncertain Significance.

NM_002474.3(MYH11):c.1178C>T (p.Thr393Ile)

Gene: MYH11 (myosin heavy chain 11; minus strand). Cytogenetic location: 16p13.11.
Variant type: single nucleotide variant.
Coding change: c.1178C>T on transcript NM_002474.3 (MANE Select); coding-DNA position 1178, C replaced by T.
Protein change: p.Thr393Ile; replaces threonine 393 with isoleucine.
Molecular consequence: missense variant.
Genome position (GRCh38, 1-based): chr16:15,760,610, G>A on the plus strand (C>T on the coding strand, the complement: MYH11 is on the minus strand). VCF-style: chr16-15760610-G-A. GRCh37 (hg19) VCF-style: chr16-15854467-G-A.
Other names: c.1199C>T, p.Thr400Ile (NM_001040113.2, NM_001040114.2); c.1178C>T, p.Thr393Ile (NM_022844.3); c.1178C>T (NM_002474.2); short protein forms T393I, T400I.
Identifiers: ClinVar variation 927142 (VCV000927142.8), dbSNP rs750691973, ClinGen allele CA7922686.